The following is an entry in ClinVar:

NM_001005242.3(PKP2):c.1129A>G (p.Ile377Val)

Gene: PKP2 (plakophilin 2; minus strand). Cytogenetic location: 12p11.21.
Variant type: single nucleotide variant.
Coding change: c.1129A>G on transcript NM_001005242.3 (MANE Select); coding-DNA position 1129, A replaced by G.
Protein change: p.Ile377Val; replaces isoleucine 377 with valine.
Molecular consequence: missense variant.
Genome position (GRCh38, 1-based): chr12:32,868,968, T>C on the plus strand (A>G on the coding strand, the complement: PKP2 is on the minus strand). VCF-style: chr12-32868968-T-C. GRCh37 (hg19) VCF-style: chr12-33021902-T-C.
Other names: c.1129A>G, p.Ile377Val (NM_004572.4); short protein forms I377V.
Identifiers: ClinVar variation 583031 (VCV000583031.10), dbSNP rs1565596114, ClinGen allele CA384359226.

ClinVar aggregate classification (germline): Conflicting classifications of pathogenicity. Review status: criteria provided, conflicting classifications (1 of 4 stars). 4 submissions from 4 submitters: Uncertain significance (3); Likely benign (1). Last evaluated 2025-03-26.

Conditions:
Cardiomyopathy (CMYO). Also called: Cardiomyopathies. Identifiers: Orphanet 167848, MedGen C0878544, MONDO:0004994, HP:0001638. Inheritance: Various modes of inheritance.
Arrhythmogenic right ventricular dysplasia 9 (ARVD9). Also called: Arrhythmogenic Right Ventricular Dysplasia/Cardiomyopathy 9; ARRHYTHMOGENIC RIGHT VENTRICULAR DYSPLASIA, FAMILIAL, 9. Identifiers: MedGen C1836906, MONDO:0012180, OMIM 609040.

Allele frequency attached by ClinVar (database versions not stated): gnomAD 0.00001; TOPMed 0.00001.
gnomAD v4.1: 1 of 1,613,782 alleles (0.000062%); highest among the groups gnomAD compares: Admixed American, 0.0017%; no homozygotes.

Submissions (4):

Labcorp Genetics (formerly Invitae), Labcorp
Classification: Uncertain significance for Arrhythmogenic right ventricular dysplasia 9. Last evaluated: 2025-03-26. Review status: criteria provided, single submitter. Criteria: Invitae Variant Classification Sherloc (09022015). Collection method: clinical testing. Allele origin: germline.
Comment: This sequence change replaces isoleucine, which is neutral and non-polar, with valine, which is neutral and non-polar, at codon 377 of the PKP2 protein (p.Ile377Val). This variant is not present in population databases (gnomAD no frequency). This variant has not been reported in the literature in individuals affected with PKP2-related conditions. ClinVar contains an entry for this variant (Variation ID: 583031). An algorithm developed to predict the effect of missense changes on protein structure and function (PolyPhen-2) suggests that this variant is likely to be disruptive. In summary, the available evidence is currently insufficient to determine the role of this variant in disease. Therefore, it has been classified as a Variant of Uncertain Significance.

Color Diagnostics, LLC DBA Color Health
Classification: Likely benign for Cardiomyopathy. Last evaluated: 2024-09-16. Review status: criteria provided, single submitter. Criteria: ACMG Guidelines, 2015. Collection method: clinical testing. Allele origin: germline.

GeneDx
Classification: Uncertain significance. Last evaluated: 2022-10-18. Review status: criteria provided, single submitter. Criteria: GeneDx Variant Classification Process June 2021. Collection method: clinical testing. Allele origin: germline. Affected: yes.
Comment: Has not been previously published as pathogenic or benign to our knowledge; Not observed at significant frequency in large population cohorts (gnomAD); In silico analysis supports that this missense variant does not alter protein structure/function

Women's Health and Genetics/Laboratory Corporation of America, LabCorp
Classification: Uncertain significance. Last evaluated: 2022-06-26. Review status: criteria provided, single submitter. Criteria: LabCorp Variant Classification Summary - May 2015. Collection method: clinical testing. Allele origin: germline.